The following is an entry in ClinVar:

ClinVar aggregate classification (germline): Uncertain significance (1 of 4 stars; one submission).

Conditions:
ALG9 congenital disorder of glycosylation (CDG1L). Also called: CONGENITAL DISORDER OF GLYCOSYLATION, TYPE Il; ALG9-CDG; CDG Il. Identifiers: Orphanet 79328, MedGen C2931006, MONDO:0012117, OMIM 608776.

Allele frequency attached by ClinVar (database versions not stated): gnomAD exomes 0.00001; ExAC 0.00002.
gnomAD v4.1: 14 of 1,614,164 alleles (0.00087%); highest among the groups gnomAD compares: Non-Finnish European, 0.0011%; no homozygotes.

Submission:

Labcorp Genetics (formerly Invitae), Labcorp
Classification: Uncertain significance for ALG9 congenital disorder of glycosylation. Last evaluated: 2024-11-18. Review status: criteria provided, single submitter. Criteria: Invitae Variant Classification Sherloc (09022015). Collection method: clinical testing. Allele origin: germline.
Comment: This sequence change replaces glycine, which is neutral and non-polar, with arginine, which is basic and polar, at codon 682 of the ATP6V0A2 protein (p.Gly682Arg). This variant is present in population databases (rs766998428, gnomAD 0.004%). This variant has not been reported in the literature in individuals affected with ATP6V0A2-related conditions. ClinVar contains an entry for this variant (Variation ID: 1359778). Invitae Evidence Modeling of protein sequence and biophysical properties (such as structural, functional, and spatial information, amino acid conservation, physicochemical variation, residue mobility, and thermodynamic stability) indicates that this missense variant is not expected to disrupt ATP6V0A2 protein function with a negative predictive value of 80%. In summary, the available evidence is currently insufficient to determine the role of this variant in disease. Therefore, it has been classified as a Variant of Uncertain Significance.

NM_012463.4(ATP6V0A2):c.2044G>A (p.Gly682Arg)

Gene: ATP6V0A2 (ATPase H+ transporting V0 subunit a2; plus strand). Cytogenetic location: 12q24.31.
Variant type: single nucleotide variant.
Coding change: c.2044G>A on transcript NM_012463.4 (MANE Select); coding-DNA position 2044, G replaced by A.
Protein change: p.Gly682Arg; replaces glycine 682 with arginine.
Molecular consequence: missense variant.
Genome position (GRCh38, 1-based): chr12:123,751,218, G>A. VCF-style: chr12-123751218-G-A. GRCh37 (hg19) VCF-style: chr12-124235765-G-A.
Other names: short protein forms G682R.
Identifiers: ClinVar variation 1359778 (VCV001359778.8), dbSNP rs766998428, ClinGen allele CA6862100.